The following is an entry in ClinVar:

NM_001164508.2(NEB):c.5411del (p.Ala1804fs)

Gene: NEB (nebulin; minus strand). Cytogenetic location: 2q23.3.
Variant type: Deletion.
Coding change: c.5411del on transcript NM_001164508.2 (MANE Select); coding-DNA position 5411, one base deleted (C; older notation c.5411delC).
Protein change: p.Ala1804fs; shifts the reading frame from alanine 1804.
Molecular consequence: frameshift variant.
Genome position (GRCh38, 1-based): chr2:151,664,541, G deleted on the plus strand (C on the coding strand, the reverse complement: NEB is on the minus strand). VCF-style (leftmost placement, unchanged base first): chr2-151664540-TG-T. GRCh37 (hg19) VCF-style: chr2-152521054-TG-T.
Other names: c.5411del, p.Ala1804fs (NM_001164507.2, NM_001271208.2, NM_004543.5); short protein forms A1804fs.
Identifiers: ClinVar variation 5013545 (VCV005013545.1).

ClinVar aggregate classification (germline): Pathogenic (1 of 4 stars; one submission).

Conditions:
Nemaline myopathy 2 (NEM2). Also called: Nemaline myopathy 2, autosomal recessive. Identifiers: MedGen C1850569, MONDO:0009725, OMIM 256030.

Submission:

Myriad Genetics, Inc.
Classification: Pathogenic for Nemaline myopathy 2. Last evaluated: 2024-09-11. Review status: criteria provided, single submitter. Criteria: Myriad Autosomal Dominant, Autosomal Recessive and X-Linked Classification Criteria (2023). Collection method: clinical testing. Allele origin: unknown.
Comment: NM_001271208.1(NEB):c.5411delC(A1804Efs*2) is expected to be pathogenic in the context of NEB-related nemaline myopathy. This variant is predicted to lead to an abnormal or absent protein product due to the creation of a premature termination codon in NEB, a gene where loss-of-function variants are known to be pathogenic. Please note: this variant was assessed in the context of healthy population screening.